The following is an entry in ClinVar:

ClinVar aggregate classification (germline): Uncertain significance. Review status: criteria provided, multiple submitters, no conflicts (2 of 4 stars). 2 submissions from 2 submitters: Uncertain significance (2). Last evaluated 2025-10-18.

Conditions:
Familial adenomatous polyposis 1 (FAP1). Also called: FAMILIAL ADENOMATOUS POLYPOSIS 1, ATTENUATED; POLYPOSIS, ADENOMATOUS INTESTINAL. Identifiers: MedGen C2713442, MONDO:0021056, OMIM 175100. Disease mechanism: loss of function.

Submissions (2):

Labcorp Genetics (formerly Invitae), Labcorp
Classification: Uncertain significance for Familial adenomatous polyposis 1. Last evaluated: 2025-10-18. Review status: criteria provided, single submitter. Criteria: Invitae Variant Classification Sherloc (09022015). Collection method: clinical testing. Allele origin: germline.
Comment: This sequence change replaces serine, which is neutral and polar, with leucine, which is neutral and non-polar, at codon 1281 of the APC protein (p.Ser1281Leu). This variant is not present in population databases (gnomAD no frequency). This variant has not been reported in the literature in individuals affected with APC-related conditions. ClinVar contains an entry for this variant (Variation ID: 855796). Invitae Evidence Modeling of protein sequence and biophysical properties (such as structural, functional, and spatial information, amino acid conservation, physicochemical variation, residue mobility, and thermodynamic stability) indicates that this missense variant is not expected to disrupt APC protein function with a negative predictive value of 95%. In summary, the available evidence is currently insufficient to determine the role of this variant in disease. Therefore, it has been classified as a Variant of Uncertain Significance.

Baylor Genetics
Classification: Uncertain significance for Familial adenomatous polyposis 1. Last evaluated: 2023-11-03. Review status: criteria provided, single submitter. Criteria: ACMG Guidelines, 2015. Collection method: clinical testing. Allele origin: unknown.

NM_000038.6(APC):c.3842C>T (p.Ser1281Leu)

Gene: APC (APC regulator of Wnt signaling pathway; plus strand). Cytogenetic location: 5q22.2.
Variant type: single nucleotide variant.
Coding change: c.3842C>T on transcript NM_000038.6 (MANE Select); coding-DNA position 3842, C replaced by T.
Protein change: p.Ser1281Leu; replaces serine 1281 with leucine.
Molecular consequence: missense variant.
Genome position (GRCh38, 1-based): chr5:112,839,436, C>T. VCF-style: chr5-112839436-C-T. GRCh37 (hg19) VCF-style: chr5-112175133-C-T.
Other names: c.3842C>T, p.Ser1281Leu (NM_001127510.3, NM_001354895.2); c.3788C>T, p.Ser1263Leu (NM_001127511.3); c.3896C>T, p.Ser1299Leu (NM_001354896.2); c.3872C>T, p.Ser1291Leu (NM_001354897.2); c.3767C>T, p.Ser1256Leu (NM_001354898.2); c.3758C>T, p.Ser1253Leu (NM_001354899.2); c.3719C>T, p.Ser1240Leu (NM_001354900.2); c.3665C>T, p.Ser1222Leu (NM_001354901.2); and 5 more; short protein forms S1240L, S998L, S1155L, S1222L, S1190L, S1256L, S1121L, S1180L.
Identifiers: ClinVar variation 855796 (VCV000855796.10), dbSNP rs1765536013, ClinGen allele CA16029762.